The following is an entry in ClinVar:

NM_139242.4(MTFMT):c.847A>G (p.Ile283Val)

Gene: MTFMT (mitochondrial methionyl-tRNA formyltransferase; minus strand). Cytogenetic location: 15q22.31.
Variant type: single nucleotide variant.
Coding change: c.847A>G on transcript NM_139242.4 (MANE Select); coding-DNA position 847, A replaced by G.
Protein change: p.Ile283Val; replaces isoleucine 283 with valine.
Molecular consequence: missense variant.
Genome position (GRCh38, 1-based): chr15:65,006,158, T>C on the plus strand (A>G on the coding strand, the complement: MTFMT is on the minus strand). VCF-style: chr15-65006158-T-C. GRCh37 (hg19) VCF-style: chr15-65298496-T-C.
Other names: p.Ile283Val; short protein forms I283V.
Identifiers: ClinVar variation 724265 (VCV000724265.15), dbSNP rs114097513, ClinGen allele CA7613225.

ClinVar aggregate classification (germline): Benign/Likely benign. Review status: criteria provided, multiple submitters, no conflicts (2 of 4 stars). 5 submissions from 5 submitters: Benign (1); Likely benign (4). Last evaluated 2025-12-20.

Allele frequency attached by ClinVar (database versions not stated): ESP Exome Variant Server 0.00183; gnomAD 0.00185 and 0.00174; 1000 Genomes Project 0.00300; 1000 Genomes Project 30x 0.00375; gnomAD exomes 0.00016 and 0.00038; ExAC 0.00053; TOPMed 0.00174.

Submissions (5):

Labcorp Genetics (formerly Invitae), Labcorp
Classification: Likely benign. Last evaluated: 2025-12-20. Review status: criteria provided, single submitter. Criteria: Invitae Variant Classification Sherloc (09022015). Collection method: clinical testing. Allele origin: germline.

Mayo Clinic Laboratories, Mayo Clinic
Classification: Likely benign. Last evaluated: 2025-05-05. Review status: criteria provided, single submitter. Criteria: ACMG Guidelines, 2015. Collection method: clinical testing. Allele origin: germline. Observed: 2 variant alleles.
Comment: BS1, BP4_moderate

Blueprint Genetics
Classification: Likely benign. Last evaluated: 2024-11-27. Review status: criteria provided, single submitter. Criteria: ACMG Guidelines, 2015. Collection method: clinical testing. Allele origin: germline.

GeneDx
Classification: Benign. Last evaluated: 2015-03-03. Review status: criteria provided, single submitter. Criteria: GeneDx Variant Classification Process June 2021. Collection method: clinical testing. Allele origin: germline. Affected: yes.

Breakthrough Genomics
Classification: Likely benign. Review status: criteria provided, single submitter. Criteria: ACMG Guidelines, 2015. Collection method: not provided. Allele origin: germline. Inheritance: Autosomal recessive inheritance. Affected: yes.